The following is an entry in ClinVar:

NM_152269.5(MTRFR):c.*515T>G

Gene: MTRFR (mitochondrial translation release factor in rescue; plus strand). Cytogenetic location: 12q24.31.
Variant type: single nucleotide variant.
Coding change: c.*515T>G on transcript NM_152269.5 (MANE Select); 515 bases downstream of the stop codon, T replaced by G.
Molecular consequence: 3 prime UTR variant.
Genome position (GRCh38, 1-based): chr12:123,257,546, T>G. VCF-style: chr12-123257546-T-G. GRCh37 (hg19) VCF-style: chr12-123742093-T-G.
Other names: c.*515T>G (NM_001143905.2, NM_001194995.1).
Identifiers: ClinVar variation 307508 (VCV000307508.6), dbSNP rs1533703, ClinGen allele CA10632173.

ClinVar aggregate classification (germline): Benign. Review status: criteria provided, multiple submitters, no conflicts (2 of 4 stars). 2 submissions from 2 submitters: Benign (2). Last evaluated 2017-04-27.

Conditions:
Combined oxidative phosphorylation defect type 7. Identifiers: Orphanet 254930, MedGen C3150801, MONDO:0013306, OMIM 613559.

Allele frequency attached by ClinVar (database versions not stated): TOPMed 0.61586; 1000 Genomes Project 30x 0.63492; gnomAD 0.64844; 1000 Genomes Project 0.65056; gnomAD exomes 0.76342.
gnomAD v4.1: 102,844 of 159,646 alleles (64%); highest among the groups gnomAD compares: East Asian, 100%; 37,743 homozygotes.

Submissions (2):

Illumina Laboratory Services, Illumina
Classification: Benign for Combined oxidative phosphorylation defect type 7. Last evaluated: 2017-04-27. Review status: criteria provided, single submitter. Criteria: ICSL Variant Classification Criteria 13 December 2019. Collection method: clinical testing. Allele origin: germline.
Comment: This variant was observed as part of a predisposition screen in an ostensibly healthy population. A literature search was performed for the gene, cDNA change, and amino acid change (where applicable). No publications were found based on this search. Allele frequency data from public databases was too high to be consistent with this variant causing disease. Therefore, this variant is classified as benign.

Breakthrough Genomics
Classification: Benign. Review status: criteria provided, single submitter. Criteria: ACMG Guidelines, 2015. Collection method: not provided. Allele origin: germline. Inheritance: Autosomal recessive inheritance. Affected: yes.